The following is an entry in ClinVar:

ClinVar aggregate classification (germline): Benign/Likely benign. Review status: criteria provided, multiple submitters, no conflicts (2 of 4 stars). 3 submissions from 3 submitters: Benign (1); Likely benign (2). Last evaluated 2025-12-29.

Conditions:
Pitt-Hopkins syndrome (PTHS). Also called: ENCEPHALOPATHY, SEVERE EPILEPTIC, WITH AUTONOMIC DYSFUNCTION; MENTAL RETARDATION, SYNDROMAL, WITH INTERMITTENT HYPERVENTILATION. Identifiers: Orphanet 2896, MedGen C1970431, MONDO:0012589, OMIM 610954.

Allele frequency attached by ClinVar (database versions not stated): gnomAD exomes 0.00004 and 0.00005; ExAC 0.00007; 1000 Genomes Project 30x 0.00016; gnomAD 0.00016 and 0.00019; 1000 Genomes Project 0.00020; TOPMed 0.00022; ESP Exome Variant Server 0.00038.
gnomAD v4.1: 114 of 1,613,262 alleles (0.0071%); highest among the groups gnomAD compares: African/African-American, 0.099%; no homozygotes.

Submissions (3):

Labcorp Genetics (formerly Invitae), Labcorp
Classification: Likely benign for Pitt-Hopkins syndrome. Last evaluated: 2025-12-29. Review status: criteria provided, single submitter. Criteria: Invitae Variant Classification Sherloc (09022015). Collection method: clinical testing. Allele origin: germline.

Blueprint Genetics
Classification: Likely benign. Last evaluated: 2024-11-18. Review status: criteria provided, single submitter. Criteria: ACMG Guidelines, 2015. Collection method: clinical testing. Allele origin: germline.

GeneDx
Classification: Benign. Last evaluated: 2015-09-17. Review status: criteria provided, single submitter. Criteria: GeneDx Variant Classification (06012015). Collection method: clinical testing. Allele origin: germline. Affected: yes.
Comment: This variant is considered likely benign or benign based on one or more of the following criteria: it is a conservative change, it occurs at a poorly conserved position in the protein, it is predicted to be benign by multiple in silico algorithms, and/or has population frequency not consistent with disease.

NM_001083962.2(TCF4):c.207+13A>G

Genes: TCF4 (transcription factor 4; minus strand), TCF4-AS1 (TCF4 antisense RNA 1; plus strand). Cytogenetic location: 18q21.2.
Variant type: single nucleotide variant.
Coding change: c.207+13A>G on transcript NM_001083962.2 (MANE Select); 13 bases into the intron after coding-DNA position 207, A replaced by G.
Molecular consequence: intron variant.
Genome position (GRCh38, 1-based): chr18:55,464,063, T>C on the plus strand (A>G on the coding strand, the complement: TCF4 is on the minus strand). VCF-style: chr18-55464063-T-C. GRCh37 (hg19) VCF-style: chr18-53131294-T-C.
Other names: c.513+13A>G (NM_001243226.3); c.135+13A>G (NM_001369584.1, NM_001369576.1, NM_001369577.1 and 15 more transcripts); c.207+13A>G (NM_001369571.1, NM_001369567.1, NM_001243228.2 and 8 more transcripts); c.201+13A>G (NM_001243230.2); c.81+13A>G (NM_001243231.2, NM_001348211.2).
Identifiers: ClinVar variation 378711 (VCV000378711.10), dbSNP rs200824801, ClinGen allele CA8970628.
Genomic context (GRCh38, chr18:55,464,063, plus strand): 5'-AAACACACCTTCTGTTTGTCAATTTACATATGTGGGATGTCTGGTTGTGGGAGAAAAGAT[T>C]AGATATACTTACCCTGGACGGGCTTGGATGTCCTCCATTCCCCCAGGACCCTGAGCTACT-3'